The following is an entry in ClinVar:

NM_001267550.2(TTN):c.88984G>A (p.Gly29662Ser)

Genes: TTN-AS1 (TTN antisense RNA 1; plus strand), TTN (titin; minus strand). Cytogenetic location: 2q31.2.
Variant type: single nucleotide variant.
Coding change: c.88984G>A on transcript NM_001267550.2 (MANE Select); coding-DNA position 88984, G replaced by A.
Protein change: p.Gly29662Ser; replaces glycine 29662 with serine.
Molecular consequence: missense variant.
Genome position (GRCh38, 1-based): chr2:178,554,127, C>T on the plus strand (G>A on the coding strand, the complement: TTN is on the minus strand). VCF-style: chr2-178554127-C-T. GRCh37 (hg19) VCF-style: chr2-179418854-C-T.
Other names: p.G28021S:GGT>AGT; p.Gly28021Ser; c.62164G>A, p.Gly20722Ser (NM_133432.3); c.62365G>A, p.Gly20789Ser (NM_133437.4); c.84061G>A, p.Gly28021Ser (NM_001256850.1); c.61789G>A, p.Gly20597Ser (NM_003319.4); c.81280G>A, p.Gly27094Ser (NM_133378.4); short protein forms G27094S, G29662S, G28021S, G20597S, G20722S, G20789S.
Identifiers: ClinVar variation 178174 (VCV000178174.40), dbSNP rs187460377, ClinGen allele CA181649.
Genomic context (GRCh38, chr2:178,554,127, plus strand): 5'-TAAACCATCCTAGGCTCTTCTTGTCTCGTTTTTCAAGGAAATAGCCACTTATATCACTAC[C>T]GCCATCTGCAATTGGCCTGCTCCATACAACAGTCATCGAATTCTTGGTAATCTTTGTCAC-3'
Protein context (NP_001254479.2, residues 29652-29672): VVWSRPIADG[Gly29662Ser]SDISGYFLEK

ClinVar aggregate classification (germline): Conflicting classifications of pathogenicity. Review status: criteria provided, conflicting classifications (1 of 4 stars). 11 submissions from 11 submitters: Uncertain significance (6); Benign (1); Likely benign (4). Last evaluated 2026-08-11.

Conditions:
TTN-related disorder. Also called: TTN-related condition; TTN-related disease; TTN-related disorders.
Dilated cardiomyopathy 1G (CMD1G). Identifiers: Orphanet 154, MedGen C1858763, MONDO:0011400, OMIM 604145.
Autosomal recessive limb-girdle muscular dystrophy type 2J (LGMDR10). Also called: Limb-girdle muscular dystrophy, type 2J; MUSCULAR DYSTROPHY, LIMB-GIRDLE, AUTOSOMAL RECESSIVE 10. Identifiers: Orphanet 140922, MedGen C1837342, MONDO:0012127, OMIM 608807.
Cardiovascular phenotype. Identifiers: MedGen CN230736.
Cardiomyopathy (CMYO). Also called: Cardiomyopathies. Identifiers: Orphanet 167848, MedGen C0878544, MONDO:0004994, HP:0001638. Inheritance: Various modes of inheritance.

Allele frequency attached by ClinVar (database versions not stated): gnomAD exomes 0.00006 and 0.00021; ESP Exome Variant Server 0.00008; 1000 Genomes Project 30x 0.00016; gnomAD 0.00019 and 0.00021; 1000 Genomes Project 0.00020; ExAC 0.00023; TOPMed 0.00030.
gnomAD v4.1: 116 of 1,613,824 alleles (0.0072%); highest among the groups gnomAD compares: African/African-American, 0.056%; no homozygotes.

Submissions (11):

PreventionGenetics, part of Exact Sciences
Classification: Uncertain significance for TTN-related condition. Last evaluated: 2026-08-11. Review status: criteria provided, single submitter. Criteria: ACMG Guidelines, 2015. Collection method: clinical testing. Allele origin: germline.
Comment: The TTN c.88984G>A variant is predicted to result in the amino acid substitution p.Gly29662Ser. This variant has been reported in a case of sudden unexpected death (Suktitipat et al. 2017. PubMed ID: 28704380). This variant is reported in 0.11% of alleles in individuals of East Asian descent in gnomAD, including one homozygote. Although we suspect that this variant may be benign, at this time, the clinical significance of this variant is uncertain due to the absence of conclusive functional and genetic evidence.

Labcorp Genetics (formerly Invitae), Labcorp
Classification: Likely benign for Dilated cardiomyopathy 1G; Autosomal recessive limb-girdle muscular dystrophy type 2J. Last evaluated: 2026-01-16. Review status: criteria provided, single submitter. Criteria: Invitae Variant Classification Sherloc (09022015). Collection method: clinical testing. Allele origin: germline.

Mayo Clinic Laboratories, Mayo Clinic
Classification: Likely benign. Last evaluated: 2025-08-20. Review status: criteria provided, single submitter. Criteria: ACMG Guidelines, 2015. Collection method: clinical testing. Allele origin: germline. Observed: 1 variant allele.
Comment: BS1, BP1

Women's Health and Genetics/Laboratory Corporation of America, LabCorp
Classification: Likely benign. Last evaluated: 2025-07-24. Review status: criteria provided, single submitter. Criteria: LabCorp Variant Classification Summary - May 2015. Collection method: clinical testing. Allele origin: germline.
Comment: Variant summary: TTN c.81280G>A (p.Gly27094Ser) results in a non-conservative amino acid change in the encoded protein sequence. Algorithms developed to predict the effect of missense changes on protein structure and function all suggest that this variant is likely to be disruptive. The variant allele was found at a frequency of 0.00021 in 247852 control chromosomes, predominantly at a frequency of 0.0011 within the East Asian subpopulation in the gnomAD database, including 1 homozygote. The observed variant frequency within East Asian control individuals in the gnomAD database is approximately 2.8 fold of the estimated maximal expected allele frequency for a pathogenic variant in TTN causing Dilated Cardiomyopathy phenotype (0.00039). c.81280G>A has been observed in two cases of sudden unexplained death, without strong evidence for causality (e.g. Suktitipat_2017, Campuzano_2018). These reports do not provide unequivocal conclusions about association of the variant with Dilated Cardiomyopathy. To our knowledge, no experimental evidence demonstrating an impact on protein function has been reported. The following publications have been ascertained in the context of this evaluation (PMID: 30086531, 28704380). ClinVar contains an entry for this variant (Variation ID: 178174). Based on the evidence outlined above, the variant was classified as likely benign.

Revvity Omics, Revvity
Classification: Uncertain significance. Last evaluated: 2024-04-09. Review status: criteria provided, single submitter. Criteria: ACMG Guidelines, 2015. Collection method: clinical testing. Allele origin: germline.

ARUP Laboratories, Molecular Genetics and Genomics, ARUP Laboratories
Classification: Uncertain significance. Last evaluated: 2020-08-23. Review status: criteria provided, single submitter. Criteria: ARUP Molecular Germline Variant Investigation Process. Collection method: clinical testing. Allele origin: germline.
Comment: The TTN c.88984G>A, p.Gly29662Ser variant [(rs187460377; ClinVar Variation ID: 178174) is rare in the general population (<0.2% allele frequency in the Genome Aggregation Database) and has not been reported in the medical literature in association with dilated cardiomyopathy (DCM) or other TTN-related disease. The clinical relevance of rare missense variants in this gene, which are identified on average once per individual sequenced in affected populations (Herman 2012), is not well understood. Yet, evidence suggests that the vast majority of such missense variants do not contribute to the clinical outcome of DCM (Begay 2015). Thus, the clinical significance of the p.Gly29662Ser variant cannot be determined with certainty.

GeneDx
Classification: Likely benign. Last evaluated: 2020-07-15. Review status: criteria provided, single submitter. Criteria: GeneDx Variant Classification Process June 2021. Collection method: clinical testing. Allele origin: germline. Affected: yes.
Comment: This variant is associated with the following publications: (PMID: 28704380)

CHEO Genetics Diagnostic Laboratory, Children's Hospital of Eastern Ontario
Classification: Benign for Cardiomyopathy. Last evaluated: 2020-06-26. Review status: criteria provided, single submitter. Criteria: ACMG Guidelines, 2015. Collection method: clinical testing. Allele origin: germline. Study: Canadian Open Genetics Repository.

Eurofins Ntd Llc (ga)
Classification: Uncertain significance. Last evaluated: 2018-07-30. Review status: criteria provided, single submitter. Criteria: EGL ClinVar v180209 classification definitions. Collection method: clinical testing. Allele origin: germline. Observed: 2 variant alleles, 2 heterozygotes.

Ambry Genetics
Classification: Uncertain significance for Cardiovascular phenotype. Last evaluated: 2017-11-20. Review status: criteria provided, single submitter. Criteria: Ambry Variant Classification Scheme 2023. Collection method: clinical testing. Allele origin: germline.
Comment: The p.G20597S variant (also known as c.61789G>A), located in coding exon 160 of the TTN gene, results from a G to A substitution at nucleotide position 61789. The glycine at codon 20597 is replaced by serine, an amino acid with similar properties. This alteration has been reported (as NM_001267550.1:c.88984G>A p.G29662S) in a sudden unexplained death case; however, clinical details were limited (Suktitipat B et al. PLoS ONE, 2017 Jul;12:e0180056). This amino acid position is highly conserved in available vertebrate species. In addition, the in silico prediction for this alteration is inconclusive. Since supporting evidence is limited at this time, the clinical significance of this alteration remains unclear.

Laboratory for Molecular Medicine, Mass General Brigham Personalized Medicine
Classification: Uncertain significance. Last evaluated: 2014-09-29. Review status: criteria provided, single submitter. Criteria: LMM Criteria. Collection method: clinical testing. Allele origin: germline. Observed: 2 variant alleles.
Comment: This variant has also been identified in 1/3844 African Ame rican chromosomes by the NHLBI Exome Sequencing Project (n.edu/EVS/) and in 1/122 African American chromosomes by the 1000 Genomes Projec t (dbSNP rs187460377). Computational prediction tools and conservation analysis do not provide strong support for or against an impact to the protein. In summar y, the clinical significance of the Gly27094Ser variant is uncertain.

Literature cited by the submitters: PubMed 28704380 (cited by 3 submitters); PubMed 30086531 (cited by Mayo Clinic Laboratories, Mayo Clinic and Women's Health and Genetics/Laboratory Corporation of America, LabCorp).